The following is an entry in ClinVar:

ClinVar aggregate classification (germline): Benign. Review status: reviewed by expert panel (3 of 4 stars). 32 submissions from 32 submitters: Benign (1). 31 of the submissions do not count toward it. Last evaluated 2015-01-12.
ClinVar aggregate classification (somatic clinical impact): Tier IV - Benign/Likely benign (0 of 4 stars; one submission).

Conditions:
Familial cancer of breast. Also called: Hereditary breast cancer; hereditary breast carcinoma; BREAST CANCER, FAMILIAL. Identifiers: Orphanet 227535, MedGen C0346153, MONDO:0016419, OMIM 114480. Disease mechanism: loss of function.
Breast-ovarian cancer, familial, susceptibility to, 1 (BROVCA1). Also called: BRCA1 Hereditary Breast and Ovarian Cancer; OVARIAN CANCER, SUSCEPTIBILITY TO. Identifiers: Orphanet 145, MedGen C2676676, MONDO:0011450, OMIM 604370. Disease mechanism: loss of function.
Pancreatic cancer, susceptibility to, 4. Identifiers: Orphanet 1333, MedGen C3280442, MONDO:0013685, OMIM 614320.
Fanconi anemia, complementation group S (FANCS). Identifiers: MedGen C4554406, MONDO:0054748, OMIM 617883.
Hereditary cancer-predisposing syndrome. Also called: Tumor predisposition; Hereditary neoplastic syndrome; Hereditary Cancer Syndrome; Neoplastic Syndromes, Hereditary. Identifiers: Orphanet 140162, MedGen C0027672, MeSH D009386, MONDO:0015356.
Hereditary breast ovarian cancer syndrome. Also called: Hereditary breast and/or ovarian cancer syndrome; Breast and ovarian cancer; Hereditary breast and ovarian cancer syndrome; Hereditary breast and ovarian cancer; Hereditary breast and ovarian cancer syndrome (HBOC); BRCA1- and BRCA2-Associated Hereditary Breast and Ovarian Cancer. Identifiers: Orphanet 145, MedGen C0677776, MeSH D061325, MONDO:0003582. Disease mechanism: loss of function.

Allele frequency attached by ClinVar (database versions not stated): ESP Exome Variant Server 0.27956; TOPMed 0.28362; gnomAD 0.29170 and 0.30039; 1000 Genomes Project 30x 0.33042; 1000 Genomes Project 0.33626; gnomAD exomes 0.33774 and 0.34852; ExAC 0.34310.
gnomAD v4.1: 539,147 of 1,613,730 alleles (33%); highest among the groups gnomAD compares: South Asian, 50%; 92,806 homozygotes.

Submissions 1 to 20 of 33:

Evidence-based Network for the Interpretation of Germline Mutant Alleles (ENIGMA)
Classification: Benign for Breast-ovarian cancer, familial 1. Last evaluated: 2015-01-12. Review status: reviewed by expert panel. Criteria: ENIGMA BRCA1/2 Classification Criteria (2015). Collection method: curation. Allele origin: germline.
Comment: Class 1 not pathogenic based on frequency >1% in an outbred sampleset. Frequency 0.3304 (Asian), 0.128 (African), 0.3588 (European), derived from 1000 genomes (2012-04-30).

Labcorp Genetics (formerly Invitae), Labcorp
Classification: Benign for Hereditary breast ovarian cancer syndrome. Last evaluated: 2026-02-04. Review status: criteria provided, single submitter. Criteria: Invitae Variant Classification Sherloc (09022015). Collection method: clinical testing. Allele origin: germline. Not counted in ClinVar's aggregate classification.

ARUP Laboratories, Molecular Genetics and Genomics, ARUP Laboratories
Classification: Benign. Last evaluated: 2025-07-31. Review status: criteria provided, single submitter. Criteria: ARUP Molecular Germline Variant Investigation Process 2024. Collection method: clinical testing. Allele origin: germline. Not counted in ClinVar's aggregate classification.

Blueprint Genetics
Classification: Likely benign. Last evaluated: 2024-11-28. Review status: criteria provided, single submitter. Criteria: ACMG Guidelines, 2015. Collection method: clinical testing. Allele origin: germline. Not counted in ClinVar's aggregate classification.

KCCC/NGS Laboratory, Kuwait Cancer Control Center
Classification: Benign for Breast-ovarian cancer, familial, susceptibility to, 1. Last evaluated: 2023-07-07. Review status: criteria provided, single submitter. Criteria: ACMG Guidelines, 2015. Collection method: clinical testing. Allele origin: germline. Affected: yes. Not counted in ClinVar's aggregate classification.

National Health Laboratory Service, Universitas Academic Hospital and University of the Free State
Classification: Benign for Hereditary breast ovarian cancer syndrome. Last evaluated: 2022-04-19. Review status: criteria provided, single submitter. Criteria: ACMG Guidelines, 2015. Collection method: clinical testing. Allele origin: germline. Affected: yes. Observed: 553 variant alleles. Not counted in ClinVar's aggregate classification.

Fulgent Genetics
Classification: Benign for Familial cancer of breast; Breast-ovarian cancer, familial, susceptibility to, 1; Pancreatic cancer, susceptibility to, 4; Fanconi anemia, complementation group S. Last evaluated: 2021-11-09. Review status: criteria provided, single submitter. Criteria: ACMG Guidelines, 2015. Collection method: clinical testing. Allele origin: unknown. Not counted in ClinVar's aggregate classification.

Genetics Program, Instituto Nacional de Cancer
Classification: Benign for Hereditary breast ovarian cancer syndrome. Last evaluated: 2021-11-01. Review status: criteria provided, single submitter. Criteria: ACMG Guidelines, 2015. Collection method: research. Allele origin: germline. Affected: yes. Not counted in ClinVar's aggregate classification.

Illumina Laboratory Services, Illumina
Classification: Benign for Breast-ovarian cancer, familial, susceptibility to, 1. Last evaluated: 2018-01-12. Review status: criteria provided, single submitter. Criteria: ICSL Variant Classification Criteria 13 December 2019. Collection method: clinical testing. Allele origin: germline. Not counted in ClinVar's aggregate classification.
Comment: This variant was observed in the ICSL laboratory as part of a predisposition screen in an ostensibly healthy population. It had not been previously curated by ICSL or reported in the Human Gene Mutation Database (HGMD: prior to June 1st, 2018), and was therefore a candidate for classification through an automated scoring system. Utilizing variant allele frequency, disease prevalence and penetrance estimates, and inheritance mode, an automated score was calculated to assess if this variant is too frequent to cause the disease. Based on the score and internal cut-off values, a variant classified as benign is not then subjected to further curation. The score for this variant resulted in a classification of benign for this disease.

GeneKor MSA
Classification: Benign. Last evaluated: 2017-11-01. Review status: criteria provided, single submitter. Criteria: ACMG Guidelines, 2015. Collection method: clinical testing. Allele origin: germline. Affected: yes. Not counted in ClinVar's aggregate classification.

Cancer Genetics and Genomics Laboratory, British Columbia Cancer Agency
Classification: Benign. Last evaluated: 2017-04-18. Review status: criteria provided, single submitter. Criteria: ACMG Guidelines, 2015. Collection method: clinical testing. Allele origin: germline. Study: The Canadian Open Genetics Repository (COGR). Not counted in ClinVar's aggregate classification.

Baylor Genetics
Classification: Benign for Familial cancer of breast. Last evaluated: 2017-02-23. Review status: criteria provided, single submitter. Criteria: ACMG Guidelines, 2015. Collection method: clinical testing. Allele origin: germline. Inheritance: Autosomal dominant inheritance. Affected: no. Not counted in ClinVar's aggregate classification.

Eurofins Ntd Llc (ga)
Classification: Benign. Last evaluated: 2016-01-07. Review status: criteria provided, single submitter. Criteria: EGL Classification Definitions 2015. Collection method: clinical testing. Allele origin: germline. Observed: 209 variant alleles, 181 heterozygotes, 28 homozygotes. Not counted in ClinVar's aggregate classification.

Clinical Genetics DNA and cytogenetics Diagnostics Lab, Erasmus MC, Erasmus Medical Center
Classification: Benign for Breast-ovarian cancer, familial, susceptibility to, 1. Last evaluated: 2015-09-21. Review status: criteria provided, single submitter. Criteria: ACGS Guidelines, 2013. Collection method: clinical testing. Allele origin: germline. Affected: yes. Study: VKGL Data-share Consensus. Not counted in ClinVar's aggregate classification.

Laboratory for Molecular Medicine, Mass General Brigham Personalized Medicine
Classification: Benign. Last evaluated: 2015-06-30. Review status: criteria provided, single submitter. Criteria: LMM Criteria. Collection method: clinical testing. Allele origin: germline. Observed: 3 variant alleles. Not counted in ClinVar's aggregate classification.
Comment: p.Ser1436Ser in exon 12 of BRCA1: This variant is not expected to have clinical significance because it has been identified in 34.3% of chromosomes from all pop ulations by the Exome Aggregation Consortium (ExAC, rg; dbSNP rs1060915).

Color Diagnostics, LLC DBA Color Health
Classification: Benign for Hereditary cancer-predisposing syndrome. Last evaluated: 2015-03-31. Review status: criteria provided, single submitter. Criteria: ACMG Guidelines, 2015. Collection method: clinical testing. Allele origin: germline. Not counted in ClinVar's aggregate classification.

Ambry Genetics
Classification: Benign for Hereditary cancer-predisposing syndrome. Last evaluated: 2014-11-18. Review status: criteria provided, single submitter. Criteria: Ambry Variant Classification Scheme 2023. Collection method: clinical testing. Allele origin: germline. Not counted in ClinVar's aggregate classification.

Molecular Genetics Laboratory, University of Michigan
Classification: Benign for Breast-ovarian cancer, familial, susceptibility to, 1. Last evaluated: 2014-11-03. Review status: criteria provided, single submitter. Criteria: ACMG Guidelines, 2015. Collection method: clinical testing. Allele origin: germline. Affected: yes. Not counted in ClinVar's aggregate classification.

Genome Diagnostics Laboratory, University Medical Center Utrecht
Classification: Benign for Breast-ovarian cancer, familial, susceptibility to, 1. Last evaluated: 2014-10-10. Review status: criteria provided, single submitter. Criteria: ACGS Guidelines, 2013. Collection method: clinical testing. Allele origin: germline. Affected: yes. Study: VKGL Data-share Consensus. Not counted in ClinVar's aggregate classification.

Women's Health and Genetics/Laboratory Corporation of America, LabCorp
Classification: Benign for Hereditary breast ovarian cancer syndrome. Last evaluated: 2013-12-19. Review status: criteria provided, single submitter. Criteria: LabCorp Variant Classification Summary - May 2015. Collection method: clinical testing. Allele origin: germline. Not counted in ClinVar's aggregate classification.

NM_007294.4(BRCA1):c.4308T>C (p.Ser1436=)

Gene: BRCA1 (BRCA1 DNA repair associated; minus strand). Cytogenetic location: 17q21.31.
Variant type: single nucleotide variant.
Coding change: c.4308T>C on transcript NM_007294.4 (MANE Select); coding-DNA position 4308, T replaced by C.
Protein change: p.Ser1436=; no amino-acid change (serine 1436 retained).
Molecular consequence: synonymous variant.
Genome position (GRCh38, 1-based): chr17:43,082,453, A>G on the plus strand (T>C on the coding strand, the complement: BRCA1 is on the minus strand). VCF-style: chr17-43082453-A-G. GRCh37 (hg19) VCF-style: chr17-41234470-A-G.
Other names: 4427T/C; S1436S; 4427 T>C; NP_009225.1:p.Ser1436=; 4427T>C; c.918T>C, p.Ser306= (NM_001408413.1, NM_001408416.1); c.921T>C, p.Ser307= (NM_001408414.1, NM_001408415.1, NM_001408409.1 and 2 more transcripts); c.882T>C, p.Ser294= (NM_001408418.1, NM_001408419.1, NM_001408420.1 and 2 more transcripts); and 56 more.
Identifiers: ClinVar variation 125703 (VCV000125703.94), dbSNP rs1060915, ClinGen allele CA002763.